The following is an entry in ClinVar:

NM_001134673.4(NFIA):c.1211G>A (p.Cys404Tyr)

Gene: NFIA (nuclear factor I A; plus strand). Cytogenetic location: 1p31.3.
Variant type: single nucleotide variant.
Coding change: c.1211G>A on transcript NM_001134673.4 (MANE Select); coding-DNA position 1211, G replaced by A.
Protein change: p.Cys404Tyr; replaces cysteine 404 with tyrosine.
Molecular consequence: missense variant.
Genome position (GRCh38, 1-based): chr1:61,404,239, G>A. VCF-style: chr1-61404239-G-A. GRCh37 (hg19) VCF-style: chr1-61869911-G-A.
Other names: c.1187G>A, p.Cys396Tyr (NM_001145511.2); c.1346G>A, p.Cys449Tyr (NM_001145512.2); c.1211G>A, p.Cys404Tyr (NM_005595.5); short protein forms C449Y, C396Y, C404Y.
Identifiers: ClinVar variation 2857629 (VCV002857629.3), dbSNP rs760170429, ClinGen allele CA340589295.

ClinVar aggregate classification (germline): Uncertain significance (1 of 4 stars; one submission).

Submission:

Labcorp Genetics (formerly Invitae), Labcorp
Classification: Uncertain significance. Last evaluated: 2024-06-03. Review status: criteria provided, single submitter. Criteria: Invitae Variant Classification Sherloc (09022015). Collection method: clinical testing. Allele origin: germline.
Comment: This sequence change replaces cysteine, which is neutral and slightly polar, with tyrosine, which is neutral and polar, at codon 404 of the NFIA protein (p.Cys404Tyr). This variant is not present in population databases (gnomAD no frequency). This variant has not been reported in the literature in individuals affected with NFIA-related conditions. An algorithm developed to predict the effect of missense changes on protein structure and function (PolyPhen-2) suggests that this variant is likely to be disruptive. In summary, the available evidence is currently insufficient to determine the role of this variant in disease. Therefore, it has been classified as a Variant of Uncertain Significance.